The following is an entry in ClinVar:

NM_000400.4(ERCC2):c.2110G>A (p.Ala704Thr)

Gene: ERCC2 (ERCC excision repair 2, TFIIH core complex helicase subunit; minus strand). Cytogenetic location: 19q13.32.
Variant type: single nucleotide variant.
Coding change: c.2110G>A on transcript NM_000400.4 (MANE Select); coding-DNA position 2110, G replaced by A.
Protein change: p.Ala704Thr; replaces alanine 704 with threonine.
Molecular consequence: missense variant.
Genome position (GRCh38, 1-based): chr19:45,352,289, C>T on the plus strand (G>A on the coding strand, the complement: ERCC2 is on the minus strand). VCF-style: chr19-45352289-C-T. GRCh37 (hg19) VCF-style: chr19-45855547-C-T.
Other names: short protein forms A704T.
Identifiers: ClinVar variation 1786109 (VCV001786109.3), dbSNP rs1300465184, ClinGen allele CA406362235.

ClinVar aggregate classification (germline): Uncertain significance (1 of 4 stars; one submission).

Conditions:
Inborn genetic diseases. Identifiers: MedGen C0950123, MeSH D030342.

Allele frequency attached by ClinVar (database versions not stated): gnomAD exomes below 0.00001.
gnomAD v4.1: 2 of 1,614,164 alleles (0.00012%); highest among the groups gnomAD compares: Admixed American, 0.0017%; no homozygotes.

Submission:

Ambry Genetics
Classification: Uncertain significance for Inborn genetic diseases. Last evaluated: 2024-10-05. Review status: criteria provided, single submitter. Criteria: Ambry Variant Classification Scheme 2023. Collection method: clinical testing. Allele origin: germline.
Comment: The p.A704T variant (also known as c.2110G>A), located in coding exon 22 of the ERCC2 gene, results from a G to A substitution at nucleotide position 2110. The alanine at codon 704 is replaced by threonine, an amino acid with similar properties. This amino acid position is conserved. In addition, this alteration is predicted to be tolerated by in silico analysis. Since supporting evidence is limited at this time, the clinical significance of this alteration remains unclear.